The following is an entry in ClinVar:

NM_004656.4(BAP1):c.606_607delinsTT (p.Trp202_Thr203delinsCysSer)

Gene: BAP1 (BRCA1 associated deubiquitinase 1; minus strand). Cytogenetic location: 3p21.1.
Variant type: Indel.
Coding change: c.606_607delinsTT on transcript NM_004656.4 (MANE Select); coding-DNA positions 606 to 607, GA replaced by TT.
Protein change: p.Trp202_Thr203delinsCysSer.
Molecular consequence: missense variant.
Genome position (GRCh38, 1-based): chr3:52,406,881-52,406,882, TC replaced by AA on the plus strand (GA replaced by TT on the coding strand, the reverse complement: BAP1 is on the minus strand). VCF-style: chr3-52406881-TC-AA. GRCh37 (hg19) VCF-style: chr3-52440897-TC-AA.
Identifiers: ClinVar variation 1386236 (VCV001386236.8), dbSNP rs2153227651, ClinGen allele CA2573137345.

ClinVar aggregate classification (germline): Pathogenic (1 of 4 stars; one submission).

Conditions:
BAP1-related tumor predisposition syndrome (TPDS1). Also called: BAP1 tumor predisposition syndrome; TUMOR PREDISPOSITION SYNDROME 1; Tumor susceptibility linked to germline BAP1 mutations; COMMON Syndrome. Identifiers: Orphanet 289539, MedGen C3280492, MONDO:0013692, OMIM 614327.

Submission:

Labcorp Genetics (formerly Invitae), Labcorp
Classification: Pathogenic for BAP1-related tumor predisposition syndrome. Last evaluated: 2023-07-14. Review status: criteria provided, single submitter. Criteria: Invitae Variant Classification Sherloc (09022015). Collection method: clinical testing. Allele origin: germline.
Comment: For these reasons, this variant has been classified as Pathogenic. This variant disrupts a region of the BAP1 protein in which other variant(s) (p.Trp202Arg) have been determined to be pathogenic (PMID: 30001711; Invitae). This suggests that this is a clinically significant region of the protein, and that variants that disrupt it are likely to be disease-causing. Experimental studies and prediction algorithms are not available or were not evaluated, and the functional significance of this variant is currently unknown. ClinVar contains an entry for this variant (Variation ID: 1386236). This variant has not been reported in the literature in individuals affected with BAP1-related conditions. Information on the frequency of this variant in the gnomAD database is not available, as this variant may be reported differently in the database. This variant, c.606_607delinsTT, is a complex sequence change that results in the deletion of 2 and insertion of 2 amino acid(s) in the BAP1 protein (p.Trp202_Thr203delinsCysSer).

Literature cited by the submitters: PubMed 30001711.